The following is an entry in ClinVar:

ClinVar aggregate classification (germline): Likely benign. Review status: criteria provided, single submitter (1 of 4 stars). 2 submissions from 2 submitters: Likely benign (1). 1 of the submissions does not count toward it. Last evaluated 2025-05-13.

Conditions:
Treacher Collins syndrome 1 (TCS1). Also called: TCOF1-Related Treacher Collins Syndrome. Identifiers: Orphanet 861, MedGen CN315775, MONDO:0007944, OMIM 154500.

Allele frequency attached by ClinVar (database versions not stated): ExAC 0.00001; TOPMed 0.00002; gnomAD exomes 0.00003.
gnomAD v4.1: 14 of 1,611,850 alleles (0.00087%); highest among the groups gnomAD compares: Admixed American, 0.0084%; no homozygotes.

Submissions (2):

Labcorp Genetics (formerly Invitae), Labcorp
Classification: Likely benign for Treacher Collins syndrome 1. Last evaluated: 2025-05-13. Review status: criteria provided, single submitter. Criteria: Invitae Variant Classification Sherloc (09022015). Collection method: clinical testing. Allele origin: germline.

Genetics Laboratories, Oxford Radcliffe Hospitals NHS Trust
Classification: Likely benign for Treacher collins syndrome 1. Review status: no assertion criteria provided. Collection method: not provided. Allele origin: somatic. Not counted in ClinVar's aggregate classification.

NM_001371623.1(TCOF1):c.1242C>T (p.Ser414=)

Gene: TCOF1 (treacle ribosome biogenesis factor 1; plus strand). Cytogenetic location: 5q32.
Variant type: single nucleotide variant.
Coding change: c.1242C>T on transcript NM_001371623.1 (MANE Select); coding-DNA position 1242, C replaced by T.
Protein change: p.Ser414=; no amino-acid change (serine 414 retained).
Molecular consequence: synonymous variant.
Genome position (GRCh38, 1-based): chr5:150,374,775, C>T. VCF-style: chr5-150374775-C-T. GRCh37 (hg19) VCF-style: chr5-149754338-C-T.
Other names: c.1011C>T, p.Ser337= (NM_000356.4, NM_001135245.2); c.1242C>T, p.Ser414= (NM_001008657.3, NM_001135243.2, NM_001135244.2 and 1 more transcripts).
Identifiers: ClinVar variation 209025 (VCV000209025.4), dbSNP rs151344569, ClinGen allele CA276087.
Genomic context (GRCh38, chr5:150,374,775, plus strand): 5'-AGGGCCTGCAGTTGCCAAGGCCCAGGCGGGGAAGCGGGAGGAGGACTCGCAGAGCAGCAG[C>T]GAGGAATCGGACAGTGAGGAGGAGGCGCCTGCTCAGGTGAGGCAGAGGGGAGGGGTGGAG-3'
Protein context (NP_001358552.1, residues 404-424): GKREEDSQSS[Ser414=]EESDSEEEAP